The following is an entry in ClinVar:

NM_198391.3(FLRT3):c.1319G>A (p.Trp440Ter)

Genes: FLRT3 (fibronectin leucine rich transmembrane protein 3; minus strand), MACROD2 (mono-ADP ribosylhydrolase 2; plus strand). Cytogenetic location: 20p12.1.
Variant type: single nucleotide variant.
Coding change: c.1319G>A on transcript NM_198391.3 (MANE Select); coding-DNA position 1319, G replaced by A.
Protein change: p.Trp440Ter; replaces tryptophan 440 with a stop codon.
Molecular consequence: nonsense. On other transcripts: intron variant (3).
Genome position (GRCh38, 1-based): chr20:14,326,188, C>T on the plus strand (G>A on the coding strand, the complement: FLRT3 is on the minus strand). VCF-style: chr20-14326188-C-T. GRCh37 (hg19) VCF-style: chr20-14306834-C-T.
Other names: c.1319G>A, p.Trp440Ter (NM_013281.4); c.272-167291C>T (NM_001351661.2, NM_001351663.2, NM_080676.6); short protein forms W440*.
Identifiers: ClinVar variation 3727112 (VCV003727112.2).
Genomic context (GRCh38, chr20:14,326,188, plus strand): 5'-TCCCCTGTTACAATTGTTTCTGTTATAGATCCAAATGCCGGGCTATGGCCCAGTTTAAGC[C>T]AGCTGAGTCTCAAAGCAGTCATAGGTAGAGCAAGTTTCCAAGAGATATGAATGGTATCAG-3'

ClinVar aggregate classification (germline): Uncertain significance (1 of 4 stars; one submission).

Submission:

Labcorp Genetics (formerly Invitae), Labcorp
Classification: Uncertain significance. Last evaluated: 2024-12-19. Review status: criteria provided, single submitter. Criteria: Invitae Variant Classification Sherloc (09022015). Collection method: clinical testing. Allele origin: germline.
Comment: This sequence change creates a premature translational stop signal (p.Trp440*) in the FLRT3 gene. While this is not anticipated to result in nonsense mediated decay, it is expected to disrupt the last 210 amino acid(s) of the FLRT3 protein. This variant is not present in population databases (gnomAD no frequency). This variant has not been reported in the literature in individuals affected with FLRT3-related conditions. In summary, the available evidence is currently insufficient to determine the role of this variant in disease. Therefore, it has been classified as a Variant of Uncertain Significance.